The following is an entry in ClinVar:

ClinVar aggregate classification (germline): Pathogenic (1 of 4 stars; one submission).

Submission:

Labcorp Genetics (formerly Invitae), Labcorp
Classification: Pathogenic. Last evaluated: 2025-09-09. Review status: criteria provided, single submitter. Criteria: Invitae Variant Classification Sherloc (09022015). Collection method: clinical testing. Allele origin: germline.
Comment: This sequence change creates a premature translational stop signal (p.Ala557Glyfs*85) in the GRM6 gene. It is expected to result in an absent or disrupted protein product. Loss-of-function variants in GRM6 are known to be pathogenic (PMID: 15781871, 16622103, 22008250). This variant is not present in population databases (gnomAD no frequency). This variant has not been reported in the literature in individuals affected with GRM6-related conditions. For these reasons, this variant has been classified as Pathogenic.

Literature cited by the submitters: PubMed 15781871; PubMed 16622103; PubMed 22008250.

NM_000843.4(GRM6):c.1670_1677del (p.Ala557fs)

Genes: GRM6 (glutamate metabotropic receptor 6; minus strand), ZNF454 (zinc finger protein 454; plus strand). Cytogenetic location: 5q35.3.
Variant type: Deletion.
Coding change: c.1670_1677del on transcript NM_000843.4 (MANE Select); coding-DNA positions 1670 to 1677, 8 bases deleted (CCTGTCCT; older notation c.1670_1677delCCTGTCCT).
Protein change: p.Ala557fs; shifts the reading frame from alanine 557.
Molecular consequence: frameshift variant.
Genome position (GRCh38, 1-based): chr5:178,986,577-178,986,584, AGGACAGG deleted on the plus strand (CCTGTCCT on the coding strand, the reverse complement: GRM6 is on the minus strand). VCF-style (leftmost placement, unchanged base first): chr5-178986576-CAGGACAGG-C. GRCh37 (hg19) VCF-style: chr5-178413577-CAGGACAGG-C.
Other names: short protein forms A557fs.
Identifiers: ClinVar variation 4726861 (VCV004726861.1).